The following is an entry in ClinVar:

ClinVar aggregate classification (germline): Likely pathogenic (1 of 4 stars; one submission).

Conditions:
Inborn genetic diseases. Identifiers: MedGen C0950123, MeSH D030342.

Submission:

Ambry Genetics
Classification: Likely pathogenic for Inborn genetic diseases. Last evaluated: 2025-11-21. Review status: criteria provided, single submitter. Criteria: Ambry Variant Classification Scheme 2023. Collection method: clinical testing. Allele origin: germline.
Comment: The c.5065-8C>G intronic alteration consists of a C to G substitution 8 nucleotides before exon 22 (coding exon 22) of the MED13 gene. This variant was not reported in population-based cohorts in the Genome Aggregation Database (gnomAD). This nucleotide position is not well conserved in available vertebrate species. In silico splice site analysis predicts that this alteration will weaken the native splice acceptor site and will result in the creation or strengthening of a novel splice acceptor site. Based on the available evidence, this alteration is classified as likely pathogenic.

NM_005121.3(MED13):c.5065-8C>G

Gene: MED13 (mediator complex subunit 13; minus strand). Cytogenetic location: 17q23.2.
Variant type: single nucleotide variant.
Coding change: c.5065-8C>G on transcript NM_005121.3 (MANE Select); 8 bases into the intron before coding-DNA position 5065, C replaced by G.
Molecular consequence: intron variant.
Genome position (GRCh38, 1-based): chr17:61,961,787, G>C on the plus strand (C>G on the coding strand, the complement: MED13 is on the minus strand). VCF-style: chr17-61961787-G-C. GRCh37 (hg19) VCF-style: chr17-60039148-G-C.
Identifiers: ClinVar variation 4624803 (VCV004624803.1).